The following is an entry in ClinVar:

NM_004990.4(MARS1):c.163A>G (p.Ser55Gly)

Gene: MARS1 (methionyl-tRNA synthetase 1; plus strand). Cytogenetic location: 12q13.3.
Variant type: single nucleotide variant.
Coding change: c.163A>G on transcript NM_004990.4 (MANE Select); coding-DNA position 163, A replaced by G.
Protein change: p.Ser55Gly; replaces serine 55 with glycine.
Molecular consequence: missense variant.
Genome position (GRCh38, 1-based): chr12:57,489,072, A>G. VCF-style: chr12-57489072-A-G. GRCh37 (hg19) VCF-style: chr12-57882855-A-G.
Other names: short protein forms S55G.
Identifiers: ClinVar variation 944615 (VCV000944615.9), dbSNP rs1875708945, ClinGen allele CA385490425.

ClinVar aggregate classification (germline): Uncertain significance (1 of 4 stars; one submission).

Conditions:
Charcot-Marie-Tooth disease axonal type 2U. Also called: CHARCOT-MARIE-TOOTH DISEASE, AXONAL, AUTOSOMAL DOMINANT, TYPE 2U; CHARCOT-MARIE-TOOTH NEUROPATHY, TYPE 2U. Identifiers: Orphanet 397735, MedGen C4084821, MONDO:0014566, OMIM 616280.
Severe early-onset pulmonary alveolar proteinosis due to MARS deficiency. Also called: Interstitial lung and liver disease; PULMONARY ALVEOLAR PROTEINOSIS, REUNION ISLAND. Identifiers: Orphanet 440427, MedGen C4225400, MONDO:0014206, OMIM 615486.

Submission:

Labcorp Genetics (formerly Invitae), Labcorp
Classification: Uncertain significance for Charcot-Marie-Tooth disease axonal type 2U; Severe early-onset pulmonary alveolar proteinosis due to MARS deficiency. Last evaluated: 2019-07-08. Review status: criteria provided, single submitter. Criteria: Invitae Variant Classification Sherloc (09022015). Collection method: clinical testing. Allele origin: germline.
Comment: In summary, the available evidence is currently insufficient to determine the role of this variant in disease. Therefore, it has been classified as a Variant of Uncertain Significance. Algorithms developed to predict the effect of missense changes on protein structure and function output the following: SIFT: "Tolerated"; PolyPhen-2: "Benign"; Align-GVGD: "Class C0". The glycine amino acid residue is found in multiple mammalian species, suggesting that this missense change does not adversely affect protein function. These predictions have not been confirmed by published functional studies and their clinical significance is uncertain. This variant has not been reported in the literature in individuals with MARS-related conditions. This variant is not present in population databases (ExAC no frequency). This sequence change replaces serine with glycine at codon 55 of the MARS protein (p.Ser55Gly). The serine residue is moderately conserved and there is a small physicochemical difference between serine and glycine.